The following is an entry in ClinVar:

ClinVar aggregate classification (germline): Uncertain significance (1 of 4 stars; one submission).

Submission:

GeneDx
Classification: Uncertain significance. Last evaluated: 2024-10-03. Review status: criteria provided, single submitter. Criteria: GeneDx Variant Classification Process June 2021. Collection method: clinical testing. Allele origin: germline. Affected: yes.
Comment: Not observed at significant frequency in large population cohorts (gnomAD); In silico analysis indicates that this missense variant does not alter protein structure/function; Has not been previously published as pathogenic or benign to our knowledge; This variant is associated with the following publications: (PMID: 25486365)

NM_001042492.3(NF1):c.2191C>G (p.Leu731Val)

Gene: NF1 (neurofibromin 1; plus strand). Cytogenetic location: 17q11.2.
Variant type: single nucleotide variant.
Coding change: c.2191C>G on transcript NM_001042492.3 (MANE Select); coding-DNA position 2191, C replaced by G.
Protein change: p.Leu731Val; replaces leucine 731 with valine.
Molecular consequence: missense variant.
Genome position (GRCh38, 1-based): chr17:31,226,624, C>G. VCF-style: chr17-31226624-C-G. GRCh37 (hg19) VCF-style: chr17-29553642-C-G.
Other names: c.2191C>G, p.Leu731Val (NM_000267.4); short protein forms L731V.
Identifiers: ClinVar variation 3776697 (VCV003776697.1).
Genomic context (GRCh38, chr17:31,226,624, plus strand): 5'-CGCCACCTCTGTGAGGAAGCAGATATCCGGTGTGGGGTGGATGAAGTGTCAGTGCATAAC[C>G]TCTTGCCCAACTATAACACATTCATGGAGTTTGCCTCTGTCAGCAATATGATGTCAACAG-3'
Protein context (NP_001035957.1, residues 721-741): CGVDEVSVHN[Leu731Val]LPNYNTFMEF